The following is an entry in ClinVar:

NM_000163.5(GHR):c.503A>C (p.His168Pro)

Gene: GHR (growth hormone receptor; plus strand). Cytogenetic location: 5p12.
Variant type: single nucleotide variant.
Coding change: c.503A>C on transcript NM_000163.5 (MANE Select); coding-DNA position 503, A replaced by C.
Protein change: p.His168Pro; replaces histidine 168 with proline.
Molecular consequence: missense variant.
Genome position (GRCh38, 1-based): chr5:42,699,887, A>C. VCF-style: chr5-42699887-A-C. GRCh37 (hg19) VCF-style: chr5-42699989-A-C.
Other names: c.503A>C (NM_000163.4); c.524A>C, p.His175Pro (NM_001242399.2); c.503A>C, p.His168Pro (NM_001242400.2, NM_001242401.4, NM_001242402.2 and 5 more transcripts); c.437A>C, p.His146Pro (NM_001242460.2); short protein forms H146P, H168P, H175P.
Identifiers: ClinVar variation 1298991 (VCV001298991.38), dbSNP rs773407028, ClinGen allele CA3254422.

ClinVar aggregate classification (germline): Conflicting classifications of pathogenicity. Review status: criteria provided, conflicting classifications (1 of 4 stars). 3 submissions from 3 submitters: Likely pathogenic (1); Uncertain significance (2). Last evaluated 2025-11-26.

Conditions:
Laron-type isolated somatotropin defect. Also called: GROWTH HORMONE RECEPTOR DEFICIENCY; Laron Syndrome; Growth hormone binding protein deficiency or dysfunction; Growth hormone receptor deficiency or dysfunction; Laron dwarfism; Laron type pituitary dwarfism I. Identifiers: Orphanet 633, MedGen C0271568, MONDO:0009877, OMIM 262500.

Allele frequency attached by ClinVar (database versions not stated): gnomAD exomes below 0.00001 and 0.00001; TOPMed below 0.00001; gnomAD 0.00001; ExAC 0.00002.
gnomAD v4.1: 3 of 1,604,284 alleles (0.00019%); highest among the groups gnomAD compares: African/African-American, 0.004%; no homozygotes.

Submissions (3):

Institute of Human Genetics, Heidelberg University
Classification: Likely pathogenic for Laron-type isolated somatotropin defect. Last evaluated: 2025-11-26. Review status: criteria provided, single submitter. Criteria: ACMG Guidelines, 2015. Collection method: clinical testing. Allele origin: biparental. Affected: yes. Observed: 3 variant alleles.
Comment: PP3_sup, PM2_sup, PP4, PM5, PP1_s

GeneDx
Classification: Uncertain significance. Last evaluated: 2025-01-16. Review status: criteria provided, single submitter. Criteria: GeneDx Variant Classification Process June 2021. Collection method: clinical testing. Allele origin: germline.
Comment: In silico analysis supports that this missense variant has a deleterious effect on protein structure/function; Has not been previously published as pathogenic or benign to our knowledge

CeGaT Center for Human Genetics Tuebingen
Classification: Uncertain significance. Last evaluated: 2021-08-01. Review status: criteria provided, single submitter. Criteria: CeGaT Center For Human Genetics Tuebingen Variant Classification Criteria Version 2. Collection method: clinical testing. Allele origin: germline. Affected: yes. Observed: 1 variant allele.